The following is an entry in ClinVar:

ClinVar aggregate classification (germline): Uncertain significance (1 of 4 stars; one submission).

gnomAD v4.1: 33 of 1,613,910 alleles (0.002%); highest among the groups gnomAD compares: South Asian, 0.0055%; no homozygotes.

Submission:

Labcorp Genetics (formerly Invitae), Labcorp
Classification: Uncertain significance. Last evaluated: 2026-01-18. Review status: criteria provided, single submitter. Criteria: Invitae Variant Classification Sherloc (09022015). Collection method: clinical testing. Allele origin: germline.
Comment: This sequence change replaces valine, which is neutral and non-polar, with isoleucine, which is neutral and non-polar, at codon 36 of the ARHGEF1 protein (p.Val36Ile). This variant is present in population databases (rs139550350, gnomAD 0.007%). This variant has not been reported in the literature in individuals affected with ARHGEF1-related conditions. An algorithm developed to predict the effect of missense changes on protein structure and function outputs the following: PolyPhen-2: "Benign". The isoleucine amino acid residue is found in multiple mammalian species, which suggests that this missense change does not adversely affect protein function. In summary, the available evidence is currently insufficient to determine the role of this variant in disease. Therefore, it has been classified as a Variant of Uncertain Significance.

NM_004706.4(ARHGEF1):c.61G>A (p.Val21Ile)

Gene: ARHGEF1 (Rho guanine nucleotide exchange factor 1; plus strand). Cytogenetic location: 19q13.2.
Variant type: single nucleotide variant.
Coding change: c.61G>A on transcript NM_004706.4 (MANE Select); coding-DNA position 61, G replaced by A.
Protein change: p.Val21Ile; replaces valine 21 with isoleucine.
Molecular consequence: missense variant. On other transcripts: non-coding transcript variant (2).
Genome position (GRCh38, 1-based): chr19:41,888,228, G>A. VCF-style: chr19-41888228-G-A. GRCh37 (hg19) VCF-style: chr19-42392299-G-A.
Other names: c.61G>A, p.Val21Ile (NM_001396004.1, NM_001396006.1, NM_198977.2 and 3 more transcripts); c.106G>A, p.Val36Ile (NM_199002.2); short protein forms V36I, V21I.
Identifiers: ClinVar variation 4701313 (VCV004701313.1).